The following is an entry in ClinVar:

NM_001378452.1(ITPR1):c.7465C>T (p.Pro2489Ser)

Gene: ITPR1 (inositol 1,4,5-trisphosphate receptor type 1; plus strand). Cytogenetic location: 3p26.1.
Variant type: single nucleotide variant.
Coding change: c.7465C>T on transcript NM_001378452.1 (MANE Select); coding-DNA position 7465, C replaced by T.
Protein change: p.Pro2489Ser; replaces proline 2489 with serine.
Molecular consequence: missense variant.
Genome position (GRCh38, 1-based): chr3:4,811,457, C>T. VCF-style: chr3-4811457-C-T. GRCh37 (hg19) VCF-style: chr3-4853141-C-T.
Other names: c.7321C>T, p.Pro2441Ser (NM_001099952.4); c.7420C>T, p.Pro2474Ser (NM_001168272.2); c.7276C>T, p.Pro2426Ser (NM_002222.7); short protein forms P2489S, P2426S, P2441S, P2474S.
Identifiers: ClinVar variation 2107390 (VCV002107390.4), dbSNP rs1559938063, ClinGen allele CA351648033.
Genomic context (GRCh38, chr3:4,811,457, plus strand): 5'-CTTTTCTTCAAGGATGACTTTATCTTGGAAGTAGATAGGCTGCCCAATGAAACAGCTGTT[C>T]CAGGTGGGTTTGGGATCTTCTGATCTTTTTAATGCTAAAAGATTATTTCCTGATTATAAC-3'
Protein context (NP_001365381.1, residues 2479-2499): VDRLPNETAV[Pro2489Ser]ETGESLASEF

ClinVar aggregate classification (germline): Uncertain significance (1 of 4 stars; one submission).

Allele frequency attached by ClinVar (database versions not stated): gnomAD 0.00001.
gnomAD v4.1: 2 of 1,612,694 alleles (0.00012%); highest among the groups gnomAD compares: Admixed American, 0.0017%; no homozygotes.

Submission:

Labcorp Genetics (formerly Invitae), Labcorp
Classification: Uncertain significance. Last evaluated: 2023-12-07. Review status: criteria provided, single submitter. Criteria: Invitae Variant Classification Sherloc (09022015). Collection method: clinical testing. Allele origin: germline.
Comment: This sequence change replaces proline, which is neutral and non-polar, with serine, which is neutral and polar, at codon 2426 of the ITPR1 protein (p.Pro2426Ser). This variant is not present in population databases (gnomAD no frequency). This variant has not been reported in the literature in individuals affected with ITPR1-related conditions. ClinVar contains an entry for this variant (Variation ID: 2107390). Advanced modeling of protein sequence and biophysical properties (such as structural, functional, and spatial information, amino acid conservation, physicochemical variation, residue mobility, and thermodynamic stability) performed at Invitae indicates that this missense variant is not expected to disrupt ITPR1 protein function with a negative predictive value of 95%. In summary, the available evidence is currently insufficient to determine the role of this variant in disease. Therefore, it has been classified as a Variant of Uncertain Significance.